The following is an entry in ClinVar:

ClinVar aggregate classification (germline): Likely pathogenic (1 of 4 stars; one submission).

Submission:

Genetic Services Laboratory, University of Chicago
Classification: Likely pathogenic. Last evaluated: 2024-02-28. Review status: criteria provided, single submitter. Criteria: ACMG Guidelines, 2015. Collection method: clinical testing. Allele origin: germline. Affected: yes.
Comment: DNA sequence analysis of the DST gene demonstrated a two base pair duplication in exon 24, c.6901_6902dup. This likely pathogenic sequence change results in an amino acid frameshift and creates a premature stop codon 13 amino acids downstream of the change, p.Tyr2302Cysfs*14. This likely pathogenic sequence change is predicted to result in an abnormal transcript, which may be degraded, or may lead to the production of a truncated DST protein with potentially abnormal function. The c.6901_6902dup sequence change has not been described in the population databases such as ExAC and gnomAD. While this sequence change has not previously been described in the literature, other loss-of-function variants in the DST gene have been described as pathogenic in several individuals with DST-related disorders (PMID: 22522446, 25059916, 30371979). These collective evidences indicate that this sequence change is likely pathogenic, however functional studies have not been performed to prove this conclusively.

NM_001723.7(DST):c.6901_6902dup (p.Tyr2302fs)

Gene: DST (dystonin; minus strand). Cytogenetic location: 6p12.1.
Variant type: Microsatellite.
Coding change: c.6901_6902dup on transcript NM_001723.7 (MANE Plus Clinical); coding-DNA positions 6901 to 6902, 2 bases duplicated (CT; older notation c.6901_6902dupCT).
Protein change: p.Tyr2302fs; shifts the reading frame from tyrosine 2302.
Molecular consequence: frameshift variant. On other transcripts: intron variant (10).
Genome position (GRCh38, 1-based): chr6:56,616,565-56,616,566, AG duplicated on the plus strand (CT on the coding strand, the reverse complement: DST is on the minus strand); duplicating any 2 consecutive bases within chr6:56,616,565-56,616,568 gives the same sequence; the c. name uses the placement nearest the transcript's 3' end. VCF-style (leftmost placement, unchanged base first): chr6-56616564-C-CAG. GRCh37 (hg19) VCF-style: chr6-56481362-C-CAG.
Other names: c.4831-2084CT[3] (NM_001144769.5); c.4930-2084CT[3] (NM_001374722.1, NM_001374736.1); c.4957-2084CT[3] (NM_001374734.1); c.4417-2084CT[3] (NM_001144770.2); c.4297-2084CT[3] (NM_001374730.1, NM_001386100.1, NM_183380.4 and 1 more transcripts); c.3319-2084CT[3] (NM_015548.5); short protein forms Y2302fs.
Identifiers: ClinVar variation 4082418 (VCV004082418.2).